The following is an entry in ClinVar:

NM_004656.4(BAP1):c.1226T>G (p.Val409Gly)

Gene: BAP1 (BRCA1 associated deubiquitinase 1; minus strand). Cytogenetic location: 3p21.1.
Variant type: single nucleotide variant.
Coding change: c.1226T>G on transcript NM_004656.4 (MANE Select); coding-DNA position 1226, T replaced by G.
Protein change: p.Val409Gly; replaces valine 409 with glycine.
Molecular consequence: missense variant.
Genome position (GRCh38, 1-based): chr3:52,404,477, A>C on the plus strand (T>G on the coding strand, the complement: BAP1 is on the minus strand). VCF-style: chr3-52404477-A-C. GRCh37 (hg19) VCF-style: chr3-52438493-A-C.
Other names: short protein forms V409G.
Identifiers: ClinVar variation 1019201 (VCV001019201.6), dbSNP rs1705081121, ClinGen allele CA353102829.

ClinVar aggregate classification (germline): Uncertain significance. Review status: criteria provided, multiple submitters, no conflicts (2 of 4 stars). 2 submissions from 2 submitters: Uncertain significance (2). Last evaluated 2024-01-16.

Conditions:
BAP1-related tumor predisposition syndrome (TPDS1). Also called: Tumor susceptibility linked to germline BAP1 mutations; BAP1 tumor predisposition syndrome; COMMON Syndrome; TUMOR PREDISPOSITION SYNDROME 1. Identifiers: Orphanet 289539, MedGen C3280492, MONDO:0013692, OMIM 614327.

Allele frequency attached by ClinVar (database versions not stated): gnomAD exomes below 0.00001.
gnomAD v4.1: 1 of 1,614,226 alleles (0.000062%); highest among the groups gnomAD compares: Non-Finnish European, 0.000085%; no homozygotes.

Submissions (2):

Baylor Genetics
Classification: Uncertain significance for BAP1-related tumor predisposition syndrome. Last evaluated: 2024-01-16. Review status: criteria provided, single submitter. Criteria: ACMG Guidelines, 2015. Collection method: clinical testing. Allele origin: unknown.

Labcorp Genetics (formerly Invitae), Labcorp
Classification: Uncertain significance for BAP1-related tumor predisposition syndrome. Last evaluated: 2020-10-30. Review status: criteria provided, single submitter. Criteria: Invitae Variant Classification Sherloc (09022015). Collection method: clinical testing. Allele origin: germline.
Comment: This variant is not present in population databases (ExAC no frequency). This sequence change replaces valine with glycine at codon 409 of the BAP1 protein (p.Val409Gly). The valine residue is moderately conserved and there is a moderate physicochemical difference between valine and glycine. This variant has not been reported in the literature in individuals with BAP1-related conditions. In summary, the available evidence is currently insufficient to determine the role of this variant in disease. Therefore, it has been classified as a Variant of Uncertain Significance. Algorithms developed to predict the effect of missense changes on protein structure and function are either unavailable or do not agree on the potential impact of this missense change (SIFT: "Deleterious"; PolyPhen-2: "Benign"; Align-GVGD: "Class C0").